The following is an entry in ClinVar:

ClinVar aggregate classification (germline): Uncertain significance (1 of 4 stars; one submission).

Conditions:
Developmental and epileptic encephalopathy, 11 (DEE11). Also called: Early infantile epileptic encephalopathy 11. Identifiers: Orphanet 1934, MedGen C3150987, MONDO:0013388, OMIM 613721.
Seizures, benign familial infantile, 3 (BFIS3). Also called: Familial neonatal seizures; CONVULSIONS, BENIGN FAMILIAL INFANTILE, 3. Identifiers: Orphanet 140927, Orphanet 306, MedGen C1843140, MONDO:0011904, OMIM 607745.

Submission:

Labcorp Genetics (formerly Invitae), Labcorp
Classification: Uncertain significance for Seizures, benign familial infantile, 3; Developmental and epileptic encephalopathy, 11. Last evaluated: 2023-09-20. Review status: criteria provided, single submitter. Criteria: Invitae Variant Classification Sherloc (09022015). Collection method: clinical testing. Allele origin: germline.
Comment: In summary, the available evidence is currently insufficient to determine the role of this variant in disease. Therefore, it has been classified as a Variant of Uncertain Significance. Variants that disrupt the consensus splice site are a relatively common cause of aberrant splicing (PMID: 17576681, 9536098). Experimental studies and prediction algorithms are not available or were not evaluated, and the effect of this variant on mRNA splicing is currently unknown. This variant has not been reported in the literature in individuals affected with SCN2A-related conditions. This variant is not present in population databases (gnomAD no frequency). This sequence change falls in intron 5 of the SCN2A gene. It does not directly change the encoded amino acid sequence of the SCN2A protein. It affects a nucleotide within the consensus splice site.

Literature cited by the submitters: PubMed 17576681; PubMed 9536098.

NM_001040142.2(SCN2A):c.606-16_606-3del

Gene: SCN2A (sodium voltage-gated channel alpha subunit 2; plus strand). Cytogenetic location: 2q24.3.
Variant type: Deletion.
Coding change: c.606-16_606-3del on transcript NM_001040142.2 (MANE Select); 16 bases into the intron before coding-DNA position 606 through 3 bases into the intron before coding-DNA position 606, 14 bases deleted (GAACCCCCTATTAC).
Molecular consequence: intron variant.
Genome position (GRCh38, 1-based): chr2:165,309,336-165,309,349, GAACCCCCTATTAC deleted. VCF-style (leftmost placement, unchanged base first): chr2-165309335-TGAACCCCCTATTAC-T. GRCh37 (hg19) VCF-style: chr2-166165845-TGAACCCCCTATTAC-T.
Other names: c.697+80_697+93del (NM_001040143.2, NM_001371246.1); c.606-16_606-3del (NM_001371247.1, NM_021007.3).
Identifiers: ClinVar variation 2952098 (VCV002952098.3), dbSNP rs2467886700, ClinGen allele CA2740095804.